The following is an entry in ClinVar:

NM_014813.3(LRIG2):c.2364T>C (p.Asn788=)

Gene: LRIG2 (leucine rich repeats and immunoglobulin like domains 2; plus strand). Cytogenetic location: 1p13.2.
Variant type: single nucleotide variant.
Coding change: c.2364T>C on transcript NM_014813.3 (MANE Select); coding-DNA position 2364, T replaced by C.
Protein change: p.Asn788=; no amino-acid change (asparagine 788 retained).
Molecular consequence: synonymous variant.
Genome position (GRCh38, 1-based): chr1:113,114,710, T>C. VCF-style: chr1-113114710-T-C. GRCh37 (hg19) VCF-style: chr1-113657332-T-C.
Other names: c.2055T>C, p.Asn685= (NM_001312686.2).
Identifiers: ClinVar variation 4980583 (VCV004980583.1).

ClinVar aggregate classification (germline): Likely benign (1 of 4 stars; one submission).

Conditions:
LRIG2-related disorder. Also called: LRIG2-related condition.

gnomAD v4.1: 1 of 1,614,166 alleles (0.000062%); highest among the groups gnomAD compares: South Asian, 0.0011%; no homozygotes.

Submission:

PreventionGenetics, part of Exact Sciences
Classification: Likely benign for LRIG2-related condition. Last evaluated: 2025-03-12. Review status: criteria provided, single submitter. Criteria: ACMG Guidelines, 2015. Collection method: clinical testing. Allele origin: germline.
Comment: This variant is classified as likely benign based on ACMG/AMP sequence variant interpretation guidelines (Richards et al. 2015 PMID: 25741868, with internal and published modifications).